The following is an entry in ClinVar:

NM_172107.4(KCNQ2):c.1118+8C>T

Gene: KCNQ2 (potassium voltage-gated channel subfamily Q member 2; minus strand). Cytogenetic location: 20q13.33.
Variant type: single nucleotide variant.
Coding change: c.1118+8C>T on transcript NM_172107.4 (MANE Select); 8 bases into the intron after coding-DNA position 1118, C replaced by T.
Molecular consequence: intron variant. On other transcripts: missense variant (1).
Genome position (GRCh38, 1-based): chr20:63,433,801, G>A on the plus strand (C>T on the coding strand, the complement: KCNQ2 is on the minus strand). VCF-style: chr20-63433801-G-A. GRCh37 (hg19) VCF-style: chr20-62065154-G-A.
Other names: c.1126C>T, p.Arg376Cys (NM_172109.3); c.1118+8C>T (NM_004518.6, NM_172108.5, NM_172106.3); short protein forms R376C.
Identifiers: ClinVar variation 516129 (VCV000516129.9), dbSNP rs754114486, ClinGen allele CA9958639.

ClinVar aggregate classification (germline): Likely benign. Review status: criteria provided, multiple submitters, no conflicts (2 of 4 stars). 2 submissions from 2 submitters: Likely benign (2). Last evaluated 2024-10-10.

Conditions:
Early-infantile DEE. Also called: Early infantile epileptic encephalopathy with suppression bursts; Early infantile epileptic encephalopathy; Ohtahara syndrome. Identifiers: Orphanet 1934, MedGen C0393706, MONDO:0800491.

Allele frequency attached by ClinVar (database versions not stated): ExAC 0.00001; TOPMed 0.00002; gnomAD 0.00003.
gnomAD v4.1: 12 of 1,613,716 alleles (0.00074%); highest among the groups gnomAD compares: African/African-American, 0.011%; no homozygotes.

Submissions (2):

Labcorp Genetics (formerly Invitae), Labcorp
Classification: Likely benign for Early-infantile DEE. Last evaluated: 2024-10-10. Review status: criteria provided, single submitter. Criteria: Invitae Variant Classification Sherloc (09022015). Collection method: clinical testing. Allele origin: germline.

GeneDx
Classification: Likely benign. Last evaluated: 2017-03-16. Review status: criteria provided, single submitter. Criteria: GeneDx Variant Classification (06012015). Collection method: clinical testing. Allele origin: germline. Affected: yes.
Comment: This variant is considered likely benign or benign based on one or more of the following criteria: it is a conservative change, it occurs at a poorly conserved position in the protein, it is predicted to be benign by multiple in silico algorithms, and/or has population frequency not consistent with disease.